The following is an entry in ClinVar:

NM_000179.3(MSH6):c.2806G>C (p.Asp936His)

Gene: MSH6 (mutS homolog 6; plus strand). Cytogenetic location: 2p16.3.
Variant type: single nucleotide variant.
Coding change: c.2806G>C on transcript NM_000179.3 (MANE Select); coding-DNA position 2806, G replaced by C.
Protein change: p.Asp936His; replaces aspartic acid 936 with histidine.
Molecular consequence: missense variant.
Genome position (GRCh38, 1-based): chr2:47,800,789, G>C. VCF-style: chr2-47800789-G-C. GRCh37 (hg19) VCF-style: chr2-48027928-G-C.
Other names: c.2416G>C, p.Asp806His (NM_001281492.2); c.1900G>C, p.Asp634His (NM_001281493.2, NM_001281494.2); short protein forms D936H, D634H, D806H.
Identifiers: ClinVar variation 584536 (VCV000584536.6), dbSNP rs876659904, ClinGen allele CA346755605.

ClinVar aggregate classification (germline): Uncertain significance. Review status: criteria provided, multiple submitters, no conflicts (2 of 4 stars). 4 submissions from 4 submitters: Uncertain significance (4). Last evaluated 2025-12-09.

Conditions:
Lynch syndrome. Identifiers: Orphanet 144, MedGen C4552100, MONDO:0005835. Disease mechanism: loss of function.
Hereditary nonpolyposis colorectal neoplasms. Identifiers: MedGen C0009405, MeSH D003123.
Hereditary cancer-predisposing syndrome. Also called: Neoplastic Syndromes, Hereditary; Hereditary Cancer Syndrome; Tumor predisposition; Hereditary neoplastic syndrome. Identifiers: Orphanet 140162, MedGen C0027672, MeSH D009386, MONDO:0015356.

Submissions (4):

Ambry Genetics
Classification: Uncertain significance for Hereditary cancer-predisposing syndrome. Last evaluated: 2025-12-09. Review status: criteria provided, single submitter. Criteria: Ambry Variant Classification Scheme 2023. Collection method: clinical testing. Allele origin: germline.
Comment: The p.D936H variant (also known as c.2806G>C), located in coding exon 4 of the MSH6 gene, results from a G to C substitution at nucleotide position 2806. The aspartic acid at codon 936 is replaced by histidine, an amino acid with similar properties. This amino acid position is not well conserved in available vertebrate species. In addition, this alteration is predicted to be deleterious by in silico analysis. Based on the available evidence, the clinical significance of this variant remains unclear.

All of Us Research Program, National Institutes of Health
Classification: Uncertain significance for Lynch syndrome. Last evaluated: 2024-03-24. Review status: criteria provided, single submitter. Criteria: ACMG Guidelines, 2015. Collection method: clinical testing. Allele origin: germline. Inheritance: Autosomal dominant inheritance. Observed: 1 variant allele, 1 heterozygote.
Comment: This missense variant replaces aspartic acid with histidine at codon 936 of the MSH6 protein. Computational prediction suggests that this variant may have deleterious impact on protein structure and function (internally defined REVEL score threshold >= 0.7, PMID: 27666373). To our knowledge, functional studies have not been reported for this variant. This variant has been reported in an individual affected with an unspecified cancer (PMID: 31159747). This variant has not been identified in the general population by the Genome Aggregation Database (gnomAD). The available evidence is insufficient to determine the role of this variant in disease conclusively. Therefore, this variant is classified as a Variant of Uncertain Significance.

This study involves interpretation of variants in research participants for the purpose of population health screening. Participant phenotype was not available at the time of variant classification. Additional details can be found in publication PMID: 35346344, PMCID: PMC8962531

Labcorp Genetics (formerly Invitae), Labcorp
Classification: Uncertain significance for Hereditary nonpolyposis colorectal neoplasms. Last evaluated: 2023-09-13. Review status: criteria provided, single submitter. Criteria: Invitae Variant Classification Sherloc (09022015). Collection method: clinical testing. Allele origin: germline.
Comment: In summary, the available evidence is currently insufficient to determine the role of this variant in disease. Therefore, it has been classified as a Variant of Uncertain Significance. Advanced modeling of protein sequence and biophysical properties (such as structural, functional, and spatial information, amino acid conservation, physicochemical variation, residue mobility, and thermodynamic stability) performed at Invitae indicates that this missense variant is not expected to disrupt MSH6 protein function. ClinVar contains an entry for this variant (Variation ID: 584536). This variant has not been reported in the literature in individuals affected with MSH6-related conditions. This variant is not present in population databases (gnomAD no frequency). This sequence change replaces aspartic acid, which is acidic and polar, with histidine, which is basic and polar, at codon 936 of the MSH6 protein (p.Asp936His).

GeneKor MSA
Classification: Uncertain significance for Hereditary cancer-predisposing syndrome. Last evaluated: 2018-08-01. Review status: criteria provided, single submitter. Criteria: ACMG Guidelines, 2015. Collection method: clinical testing. Allele origin: germline. Affected: yes.

Literature cited by the submitters: PubMed 31159747 (cited by All of Us Research Program, National Institutes of Health).